The following is an entry in ClinVar:

NM_198525.3(KIF7):c.2727G>A (p.Glu909=)

Gene: KIF7 (kinesin family member 7; minus strand). Cytogenetic location: 15q26.1.
Variant type: single nucleotide variant.
Coding change: c.2727G>A on transcript NM_198525.3 (MANE Select); coding-DNA position 2727, G replaced by A.
Protein change: p.Glu909=; no amino-acid change (glutamic acid 909 retained).
Molecular consequence: synonymous variant.
Genome position (GRCh38, 1-based): chr15:89,632,988, C>T on the plus strand (G>A on the coding strand, the complement: KIF7 is on the minus strand). VCF-style: chr15-89632988-C-T. GRCh37 (hg19) VCF-style: chr15-90176219-C-T.
Other names: c.2727G>A (NM_198525.2).
Identifiers: ClinVar variation 1629419 (VCV001629419.9), dbSNP rs767533531, ClinGen allele CA7727966.

ClinVar aggregate classification (germline): Likely benign. Review status: criteria provided, single submitter (1 of 4 stars). 2 submissions from 2 submitters: Likely benign (1). 1 of the submissions does not count toward it. Last evaluated 2025-05-17.

Conditions:
KIF7-related disorder. Also called: KIF7-related condition.
Acrocallosal syndrome (ACLS). Also called: Schinzel syndrome 1; Absence of corpus callosum with unusual facial appearance, mental deficiency, duplication of the halluces and polydactyly; HALLUX DUPLICATION, POSTAXIAL POLYDACTYLY, AND ABSENCE OF CORPUS CALLOSUM. Identifiers: Orphanet 36, MedGen C0796147, MONDO:0008708, OMIM 200990.

Allele frequency attached by ClinVar (database versions not stated): ExAC 0.00001; gnomAD 0.00001; gnomAD exomes 0.00001.
gnomAD v4.1: 11 of 996,522 alleles (0.0011%); highest among the groups gnomAD compares: South Asian, 0.0014%; no homozygotes.

Submissions (2):

Labcorp Genetics (formerly Invitae), Labcorp
Classification: Likely benign for Acrocallosal syndrome. Last evaluated: 2025-05-17. Review status: criteria provided, single submitter. Criteria: Invitae Variant Classification Sherloc (09022015). Collection method: clinical testing. Allele origin: germline.

PreventionGenetics, part of Exact Sciences
Classification: Likely benign for KIF7-related condition. Last evaluated: 2024-06-22. Review status: no assertion criteria provided. Collection method: clinical testing. Allele origin: germline. Not counted in ClinVar's aggregate classification.
Comment: This variant is classified as likely benign based on ACMG/AMP sequence variant interpretation guidelines (Richards et al. 2015 PMID: 25741868, with internal and published modifications).